The following is an entry in ClinVar:

ClinVar aggregate classification (germline): Uncertain significance (1 of 4 stars; one submission).

Submission:

GeneDx
Classification: Uncertain significance. Last evaluated: 2025-07-10. Review status: criteria provided, single submitter. Criteria: GeneDx Variant Classification Process June 2021. Collection method: clinical testing. Allele origin: germline. Affected: yes.
Comment: Not observed at significant frequency in large population cohorts (gnomAD); In silico analysis supports that this missense variant has a deleterious effect on protein structure/function; Has not been previously published as pathogenic or benign to our knowledge

NM_001354930.2(RIPK1):c.1850A>G (p.His617Arg)

Gene: RIPK1 (receptor interacting serine/threonine kinase 1; plus strand). Cytogenetic location: 6p25.2.
Variant type: single nucleotide variant.
Coding change: c.1850A>G on transcript NM_001354930.2 (MANE Select); coding-DNA position 1850, A replaced by G.
Protein change: p.His617Arg; replaces histidine 617 with arginine.
Molecular consequence: missense variant.
Genome position (GRCh38, 1-based): chr6:3,113,173, A>G. VCF-style: chr6-3113173-A-G. GRCh37 (hg19) VCF-style: chr6-3113407-A-G.
Other names: c.1361A>G, p.His454Arg (NM_001317061.3, NM_001354932.2, NM_001354933.2 and 1 more transcripts); c.1712A>G, p.His571Arg (NM_001354931.2); c.1850A>G, p.His617Arg (NM_003804.6); short protein forms H454R, H571R, H617R.
Identifiers: ClinVar variation 4685039 (VCV004685039.1).
Genomic context (GRCh38, chr6:3,113,173, plus strand): 5'-ACTGGAAAAACTGTGCCCGTAAACTGGGCTTCACACAGTCTCAGATTGATGAAATTGACC[A>G]TGACTATGAGCGAGATGGACTGAAAGAAAAGGTTTACCAGATGCTCCAAAAGTGGGTGAT-3'
Protein context (NP_001341859.1, residues 607-627): FTQSQIDEID[His617Arg]DYERDGLKEK